The following is an entry in ClinVar:

NM_000359.3(TGM1):c.1160-2_1160-1del

Gene: TGM1 (transglutaminase 1; minus strand). Cytogenetic location: 14q12.
Variant type: Deletion.
Coding change: c.1160-2_1160-1del on transcript NM_000359.3 (MANE Select); the canonical splice acceptor site of the intron before coding-DNA position 1160, 2 bases deleted (AG; older notation c.1160-2_1160-1delAG).
Molecular consequence: splice acceptor variant.
Genome position (GRCh38, 1-based): chr14:24,258,674-24,258,675, CT deleted on the plus strand (AG on the coding strand, the reverse complement: TGM1 is on the minus strand). VCF-style (leftmost placement, unchanged base first): chr14-24258673-ACT-A. GRCh37 (hg19) VCF-style: chr14-24727879-ACT-A.
Other names: c.1160-2_1160-1del (NM_000359.2).
Identifiers: ClinVar variation 552554 (VCV000552554.14), dbSNP rs1555306117, ClinGen allele CA658824897.
Genomic context (GRCh38, chr14:24,258,673, plus strand): 5'-GTGTCGTGGGCGGAGTTGAAGTTGGTGACAGTACGGGTGGCCAGACCCAGGCAGCGCAGC[ACT>A]GTGGAGGAGCGAAGGTTGGGGTTCAAGGCATGGGTTGGGGGCAAGTGAGGCATCGTGTCA-3'

ClinVar aggregate classification (germline): Pathogenic/Likely pathogenic. Review status: criteria provided, multiple submitters, no conflicts (2 of 4 stars). 4 submissions from 4 submitters: Pathogenic (2); Likely pathogenic (1). 1 of the submissions does not count toward it. Last evaluated 2026-01-09.

Conditions:
Autosomal recessive congenital ichthyosis 1 (LI1). Also called: ICHTHYOSIS CONGENITA; ICHTHYOSIS CONGENITA II; LAMELLAR EXFOLIATION OF NEWBORN; ICHTHYOSIS, CONGENITAL, AUTOSOMAL RECESSIVE 1, WITH BATHING SUIT DISTRIBUTION; ICHTHYOSIS, CONGENITAL, AUTOSOMAL RECESSIVE 1, WITH OR WITHOUT BATHING SUIT DISTRIBUTION; COLLODION FETUS. Identifiers: MedGen C4551630, MONDO:0009441, OMIM 242300.

Allele frequency attached by ClinVar (database versions not stated): gnomAD exomes below 0.00001.

Submissions (4):

Natera, Inc.
Classification: Pathogenic for Autosomal recessive congenital ichthyosis type 1. Last evaluated: 2026-01-09. Review status: criteria provided, single submitter. Criteria: Natera Variant Classification Schema (03/2026). Collection method: clinical testing. Allele origin: germline.
Comment: The c.1160-2_1160-1del variant in TGM1 is a canonical splice acceptor site variant predicted to affect pre-mRNA splicing, which may result in an abnormal transcript and altered protein product. This variant is expected to result in nonsense mediated decay, truncation, or a dysfunctional protein product. This variant is rare in the general population with a frequency below the threshold expected for the associated phenotype(s). Another variant at this same site results in an alteration predicted to cause a similar molecular effect has been observed in individual(s) with the associated phenotype. Given the available evidence, this variant is classified as Pathogenic.

Labcorp Genetics (formerly Invitae), Labcorp
Classification: Pathogenic. Last evaluated: 2020-09-13. Review status: criteria provided, single submitter. Criteria: Invitae Variant Classification Sherloc (09022015). Collection method: clinical testing. Allele origin: germline.
Comment: For these reasons, this variant has been classified as Pathogenic. Donor and acceptor splice site variants typically lead to a loss of protein function (PMID: 16199547), and loss-of-function variants in TGM1 are known to be pathogenic (PMID: 18948357, 19241467). Algorithms developed to predict the effect of sequence changes on RNA splicing suggest that this variant may disrupt the consensus splice site, but this prediction has not been confirmed by published transcriptional studies. Disruption of this splice site has been observed in individual(s) with TGM1-related conditions (PMID: 31168818, 24314425). ClinVar contains an entry for this variant (Variation ID: 552554). This variant is not present in population databases (ExAC no frequency). This sequence change affects an acceptor splice site in intron 7 of the TGM1 gene. It is expected to disrupt RNA splicing and likely results in an absent or disrupted protein product.

Genome-Nilou Lab
Classification: Likely pathogenic for Autosomal recessive congenital ichthyosis 1. Review status: criteria provided, single submitter. Criteria: ACMG Guidelines, 2015. Collection method: clinical testing. Allele origin: germline.

Counsyl
Classification: Likely pathogenic for Autosomal recessive congenital ichthyosis 1. Last evaluated: 2017-06-14. Review status: no assertion criteria provided. Collection method: clinical testing. Allele origin: unknown. Not counted in ClinVar's aggregate classification.

Literature cited by the submitters: PubMed 16199547 (cited by Labcorp Genetics (formerly Invitae), Labcorp); PubMed 18948357 (cited by Labcorp Genetics (formerly Invitae), Labcorp); PubMed 19241467 (cited by Labcorp Genetics (formerly Invitae), Labcorp); PubMed 31168818 (cited by Labcorp Genetics (formerly Invitae), Labcorp); PubMed 24314425 (cited by Labcorp Genetics (formerly Invitae), Labcorp).